The following is an entry in ClinVar:

ClinVar aggregate classification (germline): Uncertain significance (1 of 4 stars; one submission).

Conditions:
Inborn genetic diseases. Identifiers: MedGen C0950123, MeSH D030342.

Submission:

Ambry Genetics
Classification: Uncertain significance for Inborn genetic diseases. Last evaluated: 2025-10-13. Review status: criteria provided, single submitter. Criteria: Ambry Variant Classification Scheme 2023. Collection method: clinical testing. Allele origin: germline.
Comment: The p.Y568S variant (also known as c.1703A>C), located in coding exon 1 of the SAMD9L gene, results from an A to C substitution at nucleotide position 1703. The tyrosine at codon 568 is replaced by serine, an amino acid with dissimilar properties. This amino acid position is conserved. In addition, this alteration is predicted to be tolerated by in silico analysis. Based on the available evidence, the clinical significance of this variant remains unclear.

NM_152703.5(SAMD9L):c.1703A>C (p.Tyr568Ser)

Gene: SAMD9L (sterile alpha motif domain containing 9 like; minus strand). Cytogenetic location: 7q21.2.
Variant type: single nucleotide variant.
Coding change: c.1703A>C on transcript NM_152703.5 (MANE Select); coding-DNA position 1703, A replaced by C.
Protein change: p.Tyr568Ser; replaces tyrosine 568 with serine.
Molecular consequence: missense variant.
Genome position (GRCh38, 1-based): chr7:93,134,269, T>G on the plus strand (A>C on the coding strand, the complement: SAMD9L is on the minus strand). VCF-style: chr7-93134269-T-G. GRCh37 (hg19) VCF-style: chr7-92763582-T-G.
Other names: c.1703A>C, p.Tyr568Ser (NM_001303496.3, NM_001303497.3, NM_001303498.3 and 5 more transcripts); short protein forms Y568S.
Identifiers: ClinVar variation 4630051 (VCV004630051.1).